The following is an entry in ClinVar:

ClinVar aggregate classification (germline): Uncertain significance (1 of 4 stars; one submission).

Submission:

Labcorp Genetics (formerly Invitae), Labcorp
Classification: Uncertain significance. Last evaluated: 2025-01-29. Review status: criteria provided, single submitter. Criteria: Invitae Variant Classification Sherloc (09022015). Collection method: clinical testing. Allele origin: germline.
Comment: This sequence change replaces alanine, which is neutral and non-polar, with threonine, which is neutral and polar, at codon 3373 of the VCAN protein (p.Ala3373Thr). This variant is present in population databases (rs781268633, gnomAD 0.003%). This variant has not been reported in the literature in individuals affected with VCAN-related conditions. An algorithm developed to predict the effect of missense changes on protein structure and function (PolyPhen-2) suggests that this variant is likely to be tolerated. In summary, the available evidence is currently insufficient to determine the role of this variant in disease. Therefore, it has been classified as a Variant of Uncertain Significance.

NM_004385.5(VCAN):c.10117G>A (p.Ala3373Thr)

Gene: VCAN (versican; plus strand). Cytogenetic location: 5q14.3.
Variant type: single nucleotide variant.
Coding change: c.10117G>A on transcript NM_004385.5 (MANE Select); coding-DNA position 10117, G replaced by A.
Protein change: p.Ala3373Thr; replaces alanine 3373 with threonine.
Molecular consequence: missense variant.
Genome position (GRCh38, 1-based): chr5:83,580,360, G>A. VCF-style: chr5-83580360-G-A. GRCh37 (hg19) VCF-style: chr5-82876179-G-A.
Other names: c.1894G>A, p.Ala632Thr (NM_001126336.3); c.7156G>A, p.Ala2386Thr (NM_001164097.2); c.4855G>A, p.Ala1619Thr (NM_001164098.2); short protein forms A1619T, A3373T, A632T, A2386T.
Identifiers: ClinVar variation 3729497 (VCV003729497.2).